The following is an entry in ClinVar:

ClinVar aggregate classification (germline): Likely benign (1 of 4 stars; one submission).

gnomAD v4.1: 119 of 1,613,734 alleles (0.0074%); highest among the groups gnomAD compares: East Asian, 0.087%; 1 homozygote.

Submission:

CeGaT Center for Human Genetics Tuebingen
Classification: Likely benign. Last evaluated: 2026-06-01. Review status: criteria provided, single submitter. Criteria: CeGaT Center For Human Genetics Tuebingen Variant Classification Criteria Version 2. Collection method: clinical testing. Allele origin: germline. Affected: yes. Observed: 1 variant allele.
Comment: THBS2: BP4, BP7

NM_003247.5(THBS2):c.624C>T (p.Asn208=)

Gene: THBS2 (thrombospondin 2; minus strand). Cytogenetic location: 6q27.
Variant type: single nucleotide variant.
Coding change: c.624C>T on transcript NM_003247.5 (MANE Select); coding-DNA position 624, C replaced by T.
Protein change: p.Asn208=; no amino-acid change (asparagine 208 retained).
Molecular consequence: synonymous variant. On other transcripts: non-coding transcript variant (2).
Genome position (GRCh38, 1-based): chr6:169,246,267, G>A on the plus strand (C>T on the coding strand, the complement: THBS2 is on the minus strand). VCF-style: chr6-169246267-G-A. GRCh37 (hg19) VCF-style: chr6-169646362-G-A.
Other names: c.624C>T, p.Asn208= (NM_001381939.1, NM_001381940.1, NM_001381941.1); c.393C>T, p.Asn131= (NM_001381942.1).
Identifiers: ClinVar variation 4873487 (VCV004873487.2).